The following is an entry in ClinVar:

ClinVar aggregate classification (germline): Pathogenic/Likely pathogenic. Review status: criteria provided, multiple submitters, no conflicts (2 of 4 stars). 4 submissions from 4 submitters: Pathogenic (2); Likely pathogenic (2). Last evaluated 2024-01-18.

Conditions:
Amyloidosis, hereditary systemic 1 (AMYLD1). Also called: Familial amyloid polyneuropathy; Transthyretin Amyloidosis; AMYLOID CARDIOMYOPATHY; Isolated Cardiac Amyloidosis; Amyloid Cardiomyopathy, Transthyretin-related; Hereditary oculoleptomeningeal amyloid angiopathy. Identifiers: Orphanet 85447, Orphanet 85451, MedGen C2751492, MONDO:0971004, OMIM 105210.
Cardiovascular phenotype. Identifiers: MedGen CN230736.

Submissions (4):

Labcorp Genetics (formerly Invitae), Labcorp
Classification: Pathogenic for Amyloidosis, hereditary systemic 1. Last evaluated: 2024-01-18. Review status: criteria provided, single submitter. Criteria: Invitae Variant Classification Sherloc (09022015). Collection method: clinical testing. Allele origin: germline.
Comment: This sequence change replaces glutamic acid, which is acidic and polar, with glycine, which is neutral and non-polar, at codon 74 of the TTR protein (p.Glu74Gly). This variant is not present in population databases (gnomAD no frequency). This missense change has been observed in individuals with TTR-related conditions (PMID: 7655883, 12101461, 16053476, 17522146, 25471118, 25997029, 26209459, 27238058, 28911993, 30198232, 33739616; Invitae). This variant is also known as Glu54Gly, E54G, Gly54. ClinVar contains an entry for this variant (Variation ID: 811803). Advanced modeling of protein sequence and biophysical properties (such as structural, functional, and spatial information, amino acid conservation, physicochemical variation, residue mobility, and thermodynamic stability) performed at Invitae indicates that this missense variant is expected to disrupt TTR protein function with a positive predictive value of 95%. This variant disrupts the p.Glu74 amino acid residue in TTR. Other variant(s) that disrupt this residue have been determined to be pathogenic (PMID: 28911993; Invitae). This suggests that this residue is clinically significant, and that variants that disrupt this residue are likely to be disease-causing. For these reasons, this variant has been classified as Pathogenic.

Ambry Genetics
Classification: Pathogenic for Cardiovascular phenotype. Last evaluated: 2022-06-13. Review status: criteria provided, single submitter. Criteria: Ambry Variant Classification Scheme 2023. Collection method: clinical testing. Allele origin: germline.
Comment: The p.E74G pathogenic mutation (also known as c.221A>G), located in coding exon 3 of the TTR gene, results from an A to G substitution at nucleotide position 221. The glutamic acid at codon 74 is replaced by glycine, an amino acid with similar properties. This alteration, which is also known as p.E54G, has been reported in numerous individuals with transthyretin (TTR) amyloidosis and related cardiomyopathy (Saraiva MJ. Hum Mutat, 1995;5:191-6; Pathak-Ray V et al. Eye (Lond), 2002 Jul;16:492-4; O'Hearn TM et al. Br J Ophthalmol, 2007 Dec;91:1607-9; Vrana JA et al. Haematologica, 2014 Jul;99:1239-47; Sch&auml;nzer A et al. J Med Case Rep, 2014 Dec;8:403; Treibel TA et al. J Cardiovasc Comput Tomogr 2015 Jul;9:585-92; Durmu-Tek&ccedil;e H et al. Neuromuscul Disord, 2016 07;26:441-6; Reynolds MM et al. Am J Ophthalmol, 2017 Nov;183:156-162; Muchtar E et al. J Neurol Sci, 2017 Aug;379:192-197; Choi K et al. J Clin Neurol, 2018 Oct;14:537-541; Lovley A et al. J Patient Rep Outcomes, 2021 Jan;5:3). Another alteration at the same codon, p.E74Q (c.220G>C), has been reported in two individuals with TTR amyloidosis (Rowczenio DM et al. Hum. Mutat., 2014 Sep;35:E2403-12). This variant is considered to be rare based on population cohorts in the Genome Aggregation Database (gnomAD). In addition, this alteration is predicted to be deleterious by BayesDel in silico analysis. Based on the supporting evidence, this alteration is interpreted as a disease-causing mutation.

Athena Diagnostics
Classification: Likely pathogenic. Last evaluated: 2019-10-18. Review status: criteria provided, single submitter. Criteria: Athena Diagnostics Criteria. Collection method: clinical testing. Allele origin: unknown.
Comment: Not found in the total gnomAD dataset, and the data is high quality. Located in potentially critical domain of the protein. Found in multiple individuals with expected phenotype for this gene.

ARUP Laboratories, Molecular Genetics and Genomics, ARUP Laboratories
Classification: Likely pathogenic. Last evaluated: 2018-10-17. Review status: criteria provided, single submitter. Criteria: ARUP Molecular Germline Variant Investigation Process. Collection method: clinical testing. Allele origin: germline.
Comment: The TTR c.221A>G; p.Glu74Gly variant, also known as Glu54Gly in the mature protein, is reported in the literature in multiple individuals affected with familial amyloid polyneuropathy (Durmus-Tekce 2016, Fontana 2015, Kim 2005, Pathak-Ray 2002, Reilly 1995, Saraiva 1995, Schanzer 2014). This variant is absent from general population databases (1000 Genomes Project, Exome Variant Server, and Genome Aggregation Database), indicating it is not a common polymorphism. The glutamic acid at codon 74 is highly conserved, and is located within a region of the protein that is a hotspot for amyloidogenic variants (Saraiva 1995), but computational analyses (SIFT: damaging, PolyPhen-2: benign) predict conflicting effects of this variant on protein structure/function. Additionally, other amino acid substitutions at this codon (Asp, Gln, Lys) have been reported in individuals with familial amyloid polyneuropathy (Eriksson 2009, Togashi 1999, Torres-Courchoud 2017). Based on available information, the p.Glu74Gly variant is considered to be likely pathogenic. References: Durmus-Tekce H et al. Genotypic and phenotypic presentation of transthyretin-related familial amyloid polyneuropathy (TTR-FAP) in Turkey. Neuromuscul Disord. 2016 Jul;26(7):441-6. Eriksson M et al. Prevalence of germline mutations in the TTR gene in a consecutive series of surgical pathology specimens with ATTR amyloid. Am J Surg Pathol. 2009 Jan;33(1):58-65. Fontana M et al.cDifferential Myocyte Responses in Patients with Cardiac Transthyretin Amyloidosis and Light-Chain Amyloidosis: A Cardiac MR Imaging Study. Radiology. 2015 Nov;277(2):388-97. Kim HS et al. An aggressive form of familial amyloid polyneuropathy caused by a Glu54Gly mutation in the transthyretin gene. Eur J Neurol. 2005 Aug;12(8):657-9. Pathak-Ray V et al. Vitreous amyloidosis and secondary glaucoma-a case report. Eye (Lond). 2002 Jul;16(4):492-4. Reilly MM et al. Transthyretin gene analysis in European patients with suspected familial amyloid polyneuropathy. Brain. 1995 Aug;118 ( Pt 4):849-56. Saraiva MJ et al. Transthyretin mutations in health and disease. Hum Mutat. 1995;5(3):191-6. Schanzer A et al. A woman with a rare p.Glu74Gly transthyretin mutation presenting exclusively with a rapidly progressive neuropathy: a case report. J Med Case Rep. 2014 Dec 4;8:403. Togashi S et al. An aggressive familial amyloidotic polyneuropathy caused by a new variant transthyretin Lys 54. Neurology. 1999 Aug 11;53(3):637-9. Torres-Courchoud I et al. Cardiac Involvement Secondary to a Familial Form of Transthyretin Amyloidosis Resulting From the Glu54Gln Mutation. Rev Esp Cardiol (Engl Ed). 2017 Apr;70(4):297-299.

Literature cited by the submitters: PubMed 7655883 (cited by Labcorp Genetics (formerly Invitae), Labcorp and Athena Diagnostics); PubMed 12101461 (cited by 3 submitters); PubMed 16053476 (cited by Labcorp Genetics (formerly Invitae), Labcorp and Athena Diagnostics); PubMed 17522146 (cited by 3 submitters); PubMed 25471118 (cited by 3 submitters); PubMed 25997029 (cited by Labcorp Genetics (formerly Invitae), Labcorp and Athena Diagnostics); PubMed 26209459 (cited by 3 submitters); PubMed 27238058 (cited by 3 submitters); PubMed 28911993 (cited by 3 submitters); PubMed 30198232 (cited by 3 submitters); PubMed 33739616 (cited by Labcorp Genetics (formerly Invitae), Labcorp); PubMed 24747948 (cited by Ambry Genetics); PubMed 28716239 (cited by Ambry Genetics and Athena Diagnostics); PubMed 33411323 (cited by Ambry Genetics); PubMed 7599630 (cited by Ambry Genetics); PubMed 19950966 (cited by Athena Diagnostics); PubMed 25211232 (cited by Athena Diagnostics); PubMed 7906282 (cited by Athena Diagnostics).

NM_000371.4(TTR):c.221A>G (p.Glu74Gly)

Gene: TTR (transthyretin; plus strand). Cytogenetic location: 18q12.1.
Variant type: single nucleotide variant.
Coding change: c.221A>G on transcript NM_000371.4 (MANE Select); coding-DNA position 221, A replaced by G.
Protein change: p.Glu74Gly; replaces glutamic acid 74 with glycine.
Molecular consequence: missense variant.
Genome position (GRCh38, 1-based): chr18:31,595,140, A>G. VCF-style: chr18-31595140-A-G. GRCh37 (hg19) VCF-style: chr18-29175103-A-G.
Other names: short protein forms E74G.
Identifiers: ClinVar variation 811803 (VCV000811803.13), dbSNP rs1598845097, ClinGen allele CA402156928.
Genomic context (GRCh38, chr18:31,595,140, plus strand): 5'-CCTCCATGCGTAACTTAATCCAGACTTTCACACCTTATAGGAAAACCAGTGAGTCTGGAG[A>G]GCTGCATGGGCTCACAACTGAGGAGGAATTTGTAGAAGGGATATACAAAGTGGAAATAGA-3'
Protein context (NP_000362.1, residues 64-84): FASGKTSESG[Glu74Gly]LHGLTTEEEF